The following is an entry in ClinVar:

NM_014003.4(DHX38):c.1386+5G>C

Gene: DHX38 (DEAH-box helicase 38; plus strand). Cytogenetic location: 16q22.2.
Variant type: single nucleotide variant.
Coding change: c.1386+5G>C on transcript NM_014003.4 (MANE Select); 5 bases into the intron after coding-DNA position 1386, G replaced by C.
Molecular consequence: intron variant.
Genome position (GRCh38, 1-based): chr16:72,101,198, G>C. VCF-style: chr16-72101198-G-C. GRCh37 (hg19) VCF-style: chr16-72135097-G-C.
Identifiers: ClinVar variation 1978112 (VCV001978112.3), dbSNP rs773628258, ClinGen allele CA8160291.

ClinVar aggregate classification (germline): Uncertain significance (1 of 4 stars; one submission).

Allele frequency attached by ClinVar (database versions not stated): ExAC 0.00001; gnomAD 0.00001; gnomAD exomes 0.00001.
gnomAD v4.1: 20 of 1,613,966 alleles (0.0012%); highest among the groups gnomAD compares: Non-Finnish European, 0.0015%; no homozygotes.

Submission:

Labcorp Genetics (formerly Invitae), Labcorp
Classification: Uncertain significance. Last evaluated: 2022-07-01. Review status: criteria provided, single submitter. Criteria: Invitae Variant Classification Sherloc (09022015). Collection method: clinical testing. Allele origin: germline.
Comment: In summary, the available evidence is currently insufficient to determine the role of this variant in disease. Therefore, it has been classified as a Variant of Uncertain Significance. Variants that disrupt the consensus splice site are a relatively common cause of aberrant splicing (PMID: 17576681, 9536098). Algorithms developed to predict the effect of sequence changes on RNA splicing suggest that this variant is not likely to affect RNA splicing. This variant has not been reported in the literature in individuals affected with DHX38-related conditions. This variant is present in population databases (rs773628258, gnomAD 0.004%). This sequence change falls in intron 10 of the DHX38 gene. It does not directly change the encoded amino acid sequence of the DHX38 protein. It affects a nucleotide within the consensus splice site.

Literature cited by the submitters: PubMed 17576681; PubMed 9536098.